The following is an entry in ClinVar:

ClinVar aggregate classification (germline): Uncertain significance (1 of 4 stars; one submission).

Allele frequency attached by ClinVar (database versions not stated): gnomAD exomes below 0.00001; ExAC 0.00001.
gnomAD v4.1: 9 of 1,613,792 alleles (0.00056%); highest among the groups gnomAD compares: African/African-American, 0.0013%; no homozygotes.

Submission:

Labcorp Genetics (formerly Invitae), Labcorp
Classification: Uncertain significance. Last evaluated: 2021-05-27. Review status: criteria provided, single submitter. Criteria: Invitae Variant Classification Sherloc (09022015). Collection method: clinical testing. Allele origin: germline.
Comment: This variant has not been reported in the literature in individuals with TIMP3-related conditions. Experimental studies and prediction algorithms are not available or were not evaluated, and the functional significance of this variant is currently unknown. In summary, the available evidence is currently insufficient to determine the role of this variant in disease. Therefore, it has been classified as a Variant of Uncertain Significance. This variant is present in population databases (rs764214887, ExAC 0.02%). This sequence change creates a premature translational stop signal (p.Arg196*) in the TIMP3 gene. While this is not anticipated to result in nonsense mediated decay, it is expected to disrupt the last 16 amino acid(s) of the TIMP3 protein.

NM_000362.5(TIMP3):c.586C>T (p.Arg196Ter)

Genes: TIMP3 (TIMP metallopeptidase inhibitor 3; plus strand), SYN3 (synapsin III; minus strand). Cytogenetic location: 22q12.3.
Variant type: single nucleotide variant.
Coding change: c.586C>T on transcript NM_000362.5 (MANE Select); coding-DNA position 586, C replaced by T.
Protein change: p.Arg196Ter; replaces arginine 196 with a stop codon.
Molecular consequence: nonsense. On other transcripts: intron variant (7).
Genome position (GRCh38, 1-based): chr22:32,859,327, C>T. VCF-style: chr22-32859327-C-T. GRCh37 (hg19) VCF-style: chr22-33255314-C-T.
Other names: c.708+5588G>A (NM_001369909.1, NM_001135774.2, NM_001369910.1); c.711+5588G>A (NM_001369907.1, NM_003490.4, NM_001369908.1 and 1 more transcripts); short protein forms R196*.
Identifiers: ClinVar variation 1387372 (VCV001387372.8), dbSNP rs764214887, ClinGen allele CA10202288.